The following is an entry in ClinVar:

ClinVar aggregate classification (germline): Likely pathogenic (0 of 4 stars; one submission).

Conditions:
Dilated cardiomyopathy 1G (CMD1G). Identifiers: Orphanet 154, MedGen C1858763, MONDO:0011400, OMIM 604145.

Submission:

deCODE genetics, Amgen
Classification: Likely pathogenic for Dilated cardiomyopathy 1G. Last evaluated: 2023-07-21. Review status: no assertion criteria provided. Collection method: research. Allele origin: germline. Affected: yes. Observed: 1 variant allele.
Comment: The variant NM_001267550.2:c.3283del (chr2:178782308) in TTN was detected in 1 heterozygote out of 58K WGS Icelanders (MAF= 0,001%). This variant has not been reported in ClinVar previously. Based on ACMG criteria (PVS1, PM2) this variant classifies as likely pathogenic.

NM_001267550.2(TTN):c.3283del (p.Glu1095fs)

Gene: TTN (titin; minus strand). Cytogenetic location: 2q31.2.
Variant type: Deletion.
Coding change: c.3283del on transcript NM_001267550.2 (MANE Select); coding-DNA position 3283, one base deleted (G; older notation c.3283delG).
Protein change: p.Glu1095fs; shifts the reading frame from glutamic acid 1095.
Molecular consequence: frameshift variant.
Genome position (GRCh38, 1-based): chr2:178,782,309, C deleted on the plus strand (G on the coding strand, the reverse complement: TTN is on the minus strand); the first of 2 consecutive C bases (chr2:178,782,309-178,782,310); deleting either gives the same sequence. VCF-style (leftmost placement, unchanged base first): chr2-178782308-TC-T. GRCh37 (hg19) VCF-style: chr2-179647035-TC-T.
Other names: c.3283del, p.Glu1095fs (NM_001256850.1, NM_133378.4, NM_133379.5); c.3145del, p.Glu1049fs (NM_003319.4, NM_133432.3, NM_133437.4); short protein forms E1049fs, E1095fs.
Identifiers: ClinVar variation 2574051 (VCV002574051.1), dbSNP rs2533328459, ClinGen allele CA2697551423.